The following is an entry in ClinVar:

ClinVar aggregate classification (germline): Likely benign (1 of 4 stars; one submission).

Submission:

CeGaT Center for Human Genetics Tuebingen
Classification: Likely benign. Last evaluated: 2022-11-01. Review status: criteria provided, single submitter. Criteria: CeGaT Center For Human Genetics Tuebingen Variant Classification Criteria Version 2. Collection method: clinical testing. Allele origin: germline. Affected: yes. Observed: 1 variant allele.
Comment: RECQL4: PM2:Supporting, BP4, BP7

NM_004260.4(RECQL4):c.1242C>T (p.Ala414=)

Gene: RECQL4 (RecQ like helicase 4; minus strand). Cytogenetic location: 8q24.3.
Variant type: single nucleotide variant.
Coding change: c.1242C>T on transcript NM_004260.4 (MANE Select); coding-DNA position 1242, C replaced by T.
Protein change: p.Ala414=; no amino-acid change (alanine 414 retained).
Molecular consequence: synonymous variant. On other transcripts: missense variant (5), non-coding transcript variant (3), intron variant (1).
Genome position (GRCh38, 1-based): chr8:144,515,780, G>A on the plus strand (C>T on the coding strand, the complement: RECQL4 is on the minus strand). VCF-style: chr8-144515780-G-A. GRCh37 (hg19) VCF-style: chr8-145741164-G-A.
Other names: c.1146C>T, p.Ala382= (NM_001413017.1, NM_001413020.1); c.1242C>T, p.Ala414= (NM_001413018.1, NM_001413019.1, NM_001413033.1 and 2 more transcripts); c.171C>T, p.Ala57= (NM_001413021.1, NM_001413022.1, NM_001413023.1 and 8 more transcripts); c.1113C>T, p.Ala371= (NM_001413025.1); c.109C>T, p.Pro37Ser (NM_001413027.1, NM_001413030.1, NM_001413031.1 and 2 more transcripts); c.891C>T, p.Ala297= (NM_001413029.1); c.-210+208C>T (NM_001413043.1); short protein forms P37S.
Identifiers: ClinVar variation 2658995 (VCV002658995.24), dbSNP rs1191667938, ClinGen allele CA463473899.